The following is an entry in ClinVar:

ClinVar aggregate classification (germline): Uncertain significance (1 of 4 stars; one submission).

Submission:

GeneDx
Classification: Uncertain significance. Last evaluated: 2024-10-13. Review status: criteria provided, single submitter. Criteria: GeneDx Variant Classification Process June 2021. Collection method: clinical testing. Allele origin: germline. Affected: yes.
Comment: Not observed at significant frequency in large population cohorts (gnomAD); In silico analysis supports that this missense variant has a deleterious effect on protein structure/function; Has not been previously published as pathogenic or benign to our knowledge

NM_001321075.3(DLG4):c.2030C>G (p.Ala677Gly)

Gene: DLG4 (discs large MAGUK scaffold protein 4; minus strand). Cytogenetic location: 17p13.1.
Variant type: single nucleotide variant.
Coding change: c.2030C>G on transcript NM_001321075.3 (MANE Select); coding-DNA position 2030, C replaced by G.
Protein change: p.Ala677Gly; replaces alanine 677 with glycine.
Molecular consequence: missense variant. On other transcripts: non-coding transcript variant (1).
Genome position (GRCh38, 1-based): chr17:7,191,305, G>C on the plus strand (C>G on the coding strand, the complement: DLG4 is on the minus strand). VCF-style: chr17-7191305-G-C. GRCh37 (hg19) VCF-style: chr17-7094624-G-C.
Other names: c.2021C>G, p.Ala674Gly (NM_001128827.4); c.2150C>G, p.Ala717Gly (NM_001321074.1); c.1850C>G, p.Ala617Gly (NM_001321076.3, NM_001321077.3); c.2159C>G, p.Ala720Gly (NM_001365.5); c.1949C>G, p.Ala650Gly (NM_001369566.3); short protein forms A617G, A650G, A674G, A677G, A717G, A720G.
Identifiers: ClinVar variation 3777647 (VCV003777647.1).